The following is an entry in ClinVar:

NM_001142966.3(GREB1L):c.1474G>T (p.Ala492Ser)

Genes: GREB1L (GREB1 like retinoic acid receptor coactivator; plus strand), GREB1L-AS1 (GREB1L antisense RNA 1; minus strand). Cytogenetic location: 18q11.1.
Variant type: single nucleotide variant.
Coding change: c.1474G>T on transcript NM_001142966.3 (MANE Select); coding-DNA position 1474, G replaced by T.
Protein change: p.Ala492Ser; replaces alanine 492 with serine.
Molecular consequence: missense variant. On other transcripts: intron variant (1).
Genome position (GRCh38, 1-based): chr18:21,449,590, G>T. VCF-style: chr18-21449590-G-T. GRCh37 (hg19) VCF-style: chr18-19029551-G-T.
Other names: c.1603G>T, p.Ala535Ser (NM_001410867.1); c.1394-1433G>T (NM_001410868.1); short protein forms A535S, A492S.
Identifiers: ClinVar variation 3694667 (VCV003694667.2).
Genomic context (GRCh38, chr18:21,449,590, plus strand): 5'-AGGGAAGAATTTGAGCAAATTATGCTGAAAGCTATGCAAGAATTTACTCTGAGAGAAAGA[G>T]CCCTGCAGATAGGTGCTCAGTGTGTCCCTGTGTCACCAGGACAACTCCCCTGGCTTGCTA-3'
Protein context (NP_001136438.1, residues 482-502): AMQEFTLRER[Ala492Ser]LQIGAQCVPV

ClinVar aggregate classification (germline): Uncertain significance (1 of 4 stars; one submission).

Submission:

Labcorp Genetics (formerly Invitae), Labcorp
Classification: Uncertain significance. Last evaluated: 2025-09-06. Review status: criteria provided, single submitter. Criteria: Invitae Variant Classification Sherloc (09022015). Collection method: clinical testing. Allele origin: germline.
Comment: This sequence change replaces alanine, which is neutral and non-polar, with serine, which is neutral and polar, at codon 492 of the GREB1L protein (p.Ala492Ser). This variant is not present in population databases (gnomAD no frequency). This variant has not been reported in the literature in individuals affected with GREB1L-related conditions. ClinVar contains an entry for this variant (Variation ID: 3694667). An algorithm developed to predict the effect of missense changes on protein structure and function outputs the following: PolyPhen-2: "Benign". The serine amino acid residue is found in multiple mammalian species, which suggests that this missense change does not adversely affect protein function. In summary, the available evidence is currently insufficient to determine the role of this variant in disease. Therefore, it has been classified as a Variant of Uncertain Significance.